The following is an entry in ClinVar:

NM_017433.5(MYO3A):c.3094G>A (p.Ala1032Thr)

Gene: MYO3A (myosin IIIA; plus strand). Cytogenetic location: 10p12.1.
Variant type: single nucleotide variant.
Coding change: c.3094G>A on transcript NM_017433.5 (MANE Select); coding-DNA position 3094, G replaced by A.
Protein change: p.Ala1032Thr; replaces alanine 1032 with threonine.
Molecular consequence: missense variant.
Genome position (GRCh38, 1-based): chr10:26,166,161, G>A. VCF-style: chr10-26166161-G-A. GRCh37 (hg19) VCF-style: chr10-26455090-G-A.
Other names: short protein forms A1032T.
Identifiers: ClinVar variation 45806 (VCV000045806.65), dbSNP rs34918608, ClinGen allele CA137074.

ClinVar aggregate classification (germline): Benign/Likely benign. Review status: criteria provided, multiple submitters, no conflicts (2 of 4 stars). 11 submissions from 11 submitters: Benign (8); Likely benign (3). Last evaluated 2026-09-01.

Conditions:
Autosomal recessive nonsyndromic hearing loss 30. Identifiers: Orphanet 90636, MedGen C1846784, MONDO:0011774, OMIM 607101.

Allele frequency attached by ClinVar (database versions not stated): gnomAD 0.00845 and 0.00803; ExAC 0.00851; TOPMed 0.00613; 1000 Genomes Project 0.00359; ESP Exome Variant Server 0.00623; gnomAD exomes 0.00815 and 0.00912; 1000 Genomes Project 30x 0.00328.
gnomAD v4.1: 14,435 of 1,613,232 alleles (0.89%); highest among the groups gnomAD compares: Non-Finnish European, 0.99%; 94 homozygotes.

Submissions (11):

CeGaT Center for Human Genetics Tuebingen
Classification: Likely benign. Last evaluated: 2026-09-01. Review status: criteria provided, single submitter. Criteria: CeGaT Center For Human Genetics Tuebingen Variant Classification Criteria Version 2. Collection method: clinical testing. Allele origin: germline. Affected: yes. Observed: 8 variant alleles.
Comment: MYO3A: BS2

Labcorp Genetics (formerly Invitae), Labcorp
Classification: Benign. Last evaluated: 2026-01-12. Review status: criteria provided, single submitter. Criteria: Invitae Variant Classification Sherloc (09022015). Collection method: clinical testing. Allele origin: germline.

Blueprint Genetics
Classification: Likely benign. Last evaluated: 2024-11-27. Review status: criteria provided, single submitter. Criteria: ACMG Guidelines, 2015. Collection method: clinical testing. Allele origin: germline.

ARUP Laboratories, Molecular Genetics and Genomics, ARUP Laboratories
Classification: Benign for Autosomal recessive nonsyndromic hearing loss 30. Last evaluated: 2023-09-06. Review status: criteria provided, single submitter. Criteria: ARUP Molecular Germline Variant Investigation Process 2024. Collection method: clinical testing. Allele origin: germline.

Fulgent Genetics
Classification: Likely benign for Autosomal recessive nonsyndromic hearing loss 30. Last evaluated: 2021-07-30. Review status: criteria provided, single submitter. Criteria: ACMG Guidelines, 2015. Collection method: clinical testing. Allele origin: unknown.

GeneDx
Classification: Benign. Last evaluated: 2018-05-24. Review status: criteria provided, single submitter. Criteria: GeneDx Variant Classification Process June 2021. Collection method: clinical testing. Allele origin: germline. Affected: yes.
Comment: This variant is associated with the following publications: (PMID: 17344846)

Illumina Laboratory Services, Illumina
Classification: Benign for Autosomal recessive nonsyndromic hearing loss 30. Last evaluated: 2017-04-27. Review status: criteria provided, single submitter. Criteria: ICSL Variant Classification Criteria 13 December 2019. Collection method: clinical testing. Allele origin: germline.
Comment: This variant was observed as part of a predisposition screen in an ostensibly healthy population. A literature search was performed for the gene, cDNA change, and amino acid change (where applicable). No publications were found based on this search. Allele frequency data from public databases was too high to be consistent with this variant causing disease. Therefore, this variant is classified as benign.

Eurofins Ntd Llc (ga)
Classification: Benign. Last evaluated: 2015-09-14. Review status: criteria provided, single submitter. Criteria: EGL Classification Definitions 2015. Collection method: clinical testing. Allele origin: germline. Observed: 1 variant allele, 1 heterozygote.

Laboratory for Molecular Medicine, Mass General Brigham Personalized Medicine
Classification: Benign. Last evaluated: 2012-05-07. Review status: criteria provided, single submitter. Criteria: LMM Criteria. Collection method: clinical testing. Allele origin: germline. Observed: 18 variant alleles.
Comment: Ala1032Thr in Exon 27 of MYO3A: This variant is not expected to have clinical si gnificance because it has been identified in 0.8% (56/7020) of European American chromosomes from a broad population by the NHLBI Exome Sequencing Project (dbSNP rs34918608).

Breakthrough Genomics
Classification: Benign. Review status: criteria provided, single submitter. Criteria: ACMG Guidelines, 2015. Collection method: not provided. Allele origin: germline. Inheritance: Autosomal recessive inheritance. Affected: yes.

PreventionGenetics, part of Exact Sciences
Classification: Benign. Review status: criteria provided, single submitter. Criteria: ACMG Guidelines, 2015. Collection method: clinical testing. Allele origin: germline.